The following is an entry in ClinVar:

NM_004329.3(BMPR1A):c.700A>T (p.Ile234Phe)

Gene: BMPR1A (bone morphogenetic protein receptor type 1A; plus strand). Cytogenetic location: 10q23.2.
Variant type: single nucleotide variant.
Coding change: c.700A>T on transcript NM_004329.3 (MANE Select); coding-DNA position 700, A replaced by T.
Protein change: p.Ile234Phe; replaces isoleucine 234 with phenylalanine.
Molecular consequence: missense variant. On other transcripts: non-coding transcript variant (3).
Genome position (GRCh38, 1-based): chr10:86,917,158, A>T. VCF-style: chr10-86917158-A-T. GRCh37 (hg19) VCF-style: chr10-88676915-A-T.
Other names: c.700A>T, p.Ile234Phe (NM_001406563.1, NM_001406564.1, NM_001406565.1 and 19 more transcripts); c.694A>T, p.Ile232Phe (NM_001406583.1); c.616A>T, p.Ile206Phe (NM_001406584.1, NM_001406585.1, NM_001406586.1 and 2 more transcripts); c.358A>T, p.Ile120Phe (NM_001406589.1); c.775A>T, p.Ile259Phe (NM_001406559.1); c.748A>T, p.Ile250Phe (NM_001406560.1); short protein forms I120F, I232F, I206F, I234F, I259F, I250F.
Identifiers: ClinVar variation 5032963 (VCV005032963.1).

ClinVar aggregate classification (germline): Uncertain significance (1 of 4 stars; one submission).

Conditions:
Hereditary cancer-predisposing syndrome. Also called: Neoplastic Syndromes, Hereditary; Tumor predisposition; Hereditary neoplastic syndrome; Hereditary Cancer Syndrome. Identifiers: Orphanet 140162, MedGen C0027672, MeSH D009386, MONDO:0015356.

Submission:

Ambry Genetics
Classification: Uncertain significance for Hereditary cancer-predisposing syndrome. Last evaluated: 2026-07-06. Review status: criteria provided, single submitter. Criteria: Ambry Variant Classification Scheme 2023. Collection method: clinical testing. Allele origin: germline.
Comment: The p.I234F variant (also known as c.700A>T), located in coding exon 7 of the BMPR1A gene, results from an A to T substitution at nucleotide position 700. The isoleucine at codon 234 is replaced by phenylalanine, an amino acid with highly similar properties. This amino acid position is conserved. In addition, this alteration is predicted to be deleterious by in silico analysis. Based on the available evidence, the clinical significance of this variant remains unclear.